The following is an entry in ClinVar:

ClinVar aggregate classification (germline): Uncertain significance. Review status: criteria provided, multiple submitters, no conflicts (2 of 4 stars). 2 submissions from 2 submitters: Uncertain significance (2). Last evaluated 2023-04-07.

Conditions:
Mucolipidosis type IV (ML4). Also called: ML IV. Identifiers: Orphanet 578, MedGen C0238286, MONDO:0009653, OMIM 252650.

Allele frequency attached by ClinVar (database versions not stated): ExAC 0.00001; gnomAD 0.00003 and 0.00004; gnomAD exomes 0.00003; TOPMed 0.00003.
gnomAD v4.1: 17 of 1,613,940 alleles (0.0011%); highest among the groups gnomAD compares: East Asian, 0.022%; no homozygotes.

Submissions (2):

Women's Health and Genetics/Laboratory Corporation of America, LabCorp
Classification: Uncertain significance. Last evaluated: 2023-04-07. Review status: criteria provided, single submitter. Criteria: LabCorp Variant Classification Summary - May 2015. Collection method: clinical testing. Allele origin: germline.

Labcorp Genetics (formerly Invitae), Labcorp
Classification: Uncertain significance for Mucolipidosis type IV. Last evaluated: 2022-08-21. Review status: criteria provided, single submitter. Criteria: Invitae Variant Classification Sherloc (09022015). Collection method: clinical testing. Allele origin: germline.
Comment: This sequence change falls in intron 9 of the MCOLN1 gene. It does not directly change the encoded amino acid sequence of the MCOLN1 protein. It affects a nucleotide within the consensus splice site. This variant is present in population databases (rs781005728, gnomAD 0.05%). This variant has not been reported in the literature in individuals affected with MCOLN1-related conditions. ClinVar contains an entry for this variant (Variation ID: 1367583). Variants that disrupt the consensus splice site are a relatively common cause of aberrant splicing (PMID: 17576681, 9536098). Algorithms developed to predict the effect of sequence changes on RNA splicing suggest that this variant may create or strengthen a splice site. In summary, the available evidence is currently insufficient to determine the role of this variant in disease. Therefore, it has been classified as a Variant of Uncertain Significance.

Literature cited by the submitters: PubMed 17576681 (cited by Labcorp Genetics (formerly Invitae), Labcorp); PubMed 9536098 (cited by Labcorp Genetics (formerly Invitae), Labcorp).

NM_020533.3(MCOLN1):c.1134+5G>A

Gene: MCOLN1 (mucolipin TRP cation channel 1; plus strand). Cytogenetic location: 19p13.2.
Variant type: single nucleotide variant.
Coding change: c.1134+5G>A on transcript NM_020533.3 (MANE Select); 5 bases into the intron after coding-DNA position 1134, G replaced by A.
Molecular consequence: intron variant.
Genome position (GRCh38, 1-based): chr19:7,528,975, G>A. VCF-style: chr19-7528975-G-A. GRCh37 (hg19) VCF-style: chr19-7593861-G-A.
Other names: c.1134+5G>A (NM_020533.2).
Identifiers: ClinVar variation 1367583 (VCV001367583.3), dbSNP rs781005728, ClinGen allele CA9139036.
Genomic context (GRCh38, chr19:7,528,975, plus strand): 5'-CCAGCGATGTGCTCACCATCTCGGGCACCATCATGAAGATCGGCATCGAGGCCAAGGTGC[G>A]TCCTGCCAACACCCTGGGCCCCAGGTCCCATCCCTGCTGTCAGTGCCTATCCGGGGCCAT-3'